The following is an entry in ClinVar:

ClinVar aggregate classification (germline): Uncertain significance (1 of 4 stars; one submission).

Conditions:
Kufor-Rakeb syndrome (KRS). Also called: PARKINSON DISEASE 9, AUTOSOMAL RECESSIVE, JUVENILE-ONSET. Identifiers: Orphanet 306674, Orphanet 314632, MedGen C1847640, MONDO:0011706, OMIM 606693.
Autosomal recessive spastic paraplegia type 78. Identifiers: Orphanet 513436, MedGen C5567893, MONDO:0014975, OMIM 617225.

Submission:

Labcorp Genetics (formerly Invitae), Labcorp
Classification: Uncertain significance for Kufor-Rakeb syndrome; Autosomal recessive spastic paraplegia type 78. Last evaluated: 2024-04-25. Review status: criteria provided, single submitter. Criteria: Invitae Variant Classification Sherloc (09022015). Collection method: clinical testing. Allele origin: germline.
Comment: This sequence change replaces arginine, which is basic and polar, with glycine, which is neutral and non-polar, at codon 740 of the ATP13A2 protein (p.Arg740Gly). This variant is not present in population databases (gnomAD no frequency). This variant has not been reported in the literature in individuals affected with ATP13A2-related conditions. ClinVar contains an entry for this variant (Variation ID: 957849). Advanced modeling of protein sequence and biophysical properties (such as structural, functional, and spatial information, amino acid conservation, physicochemical variation, residue mobility, and thermodynamic stability) performed at Invitae indicates that this missense variant is not expected to disrupt ATP13A2 protein function with a negative predictive value of 80%. In summary, the available evidence is currently insufficient to determine the role of this variant in disease. Therefore, it has been classified as a Variant of Uncertain Significance.

NM_022089.4(ATP13A2):c.2218C>G (p.Arg740Gly)

Gene: ATP13A2 (ATPase cation transporting 13A2; minus strand). Cytogenetic location: 1p36.13.
Variant type: single nucleotide variant.
Coding change: c.2218C>G on transcript NM_022089.4 (MANE Select); coding-DNA position 2218, C replaced by G.
Protein change: p.Arg740Gly; replaces arginine 740 with glycine.
Molecular consequence: missense variant.
Genome position (GRCh38, 1-based): chr1:16,991,767, G>C on the plus strand (C>G on the coding strand, the complement: ATP13A2 is on the minus strand). VCF-style: chr1-16991767-G-C. GRCh37 (hg19) VCF-style: chr1-17318262-G-C.
Other names: c.2203C>G, p.Arg735Gly (NM_001141973.3, NM_001141974.3); short protein forms R740G, R735G.
Identifiers: ClinVar variation 957849 (VCV000957849.7), dbSNP rs973767624, ClinGen allele CA338243180.
Genomic context (GRCh38, chr1:16,991,767, plus strand): 5'-AGCCCGGGCCCCTACATGCCATTGTACCTGTCACCATGACGGCGCGGATGCGGGTCCTTC[G>C]CAGAGCCTGGATAACTGGCGTTGTCTGCGGCTTCAGTAGGTTCCTCATGACCAGCAGCCC-3'
Protein context (NP_071372.1, residues 730-750): PQTTPVIQAL[Arg740Gly]RTRIRAVMVT